The following is an entry in ClinVar:

ClinVar aggregate classification (germline): Uncertain significance (1 of 4 stars; one submission).

gnomAD v4.1: 4 of 1,604,712 alleles (0.00025%); highest among the groups gnomAD compares: Admixed American, 0.0068%; no homozygotes.

Submission:

GeneDx
Classification: Uncertain significance. Last evaluated: 2024-08-05. Review status: criteria provided, single submitter. Criteria: GeneDx Variant Classification Process June 2021. Collection method: clinical testing. Allele origin: germline. Affected: yes.
Comment: Nonsense variant predicted to result in protein truncation or nonsense mediated decay in a gene for which loss of function is a known mechanism of disease; Has not been previously published as pathogenic or benign to our knowledge

NM_001378609.3(OTOGL):c.6552T>A (p.Cys2184Ter)

Gene: OTOGL (otogelin like; plus strand). Cytogenetic location: 12q21.31.
Variant type: single nucleotide variant.
Coding change: c.6552T>A on transcript NM_001378609.3 (MANE Select); coding-DNA position 6552, T replaced by A.
Protein change: p.Cys2184Ter; replaces cysteine 2184 with a stop codon.
Molecular consequence: nonsense.
Genome position (GRCh38, 1-based): chr12:80,368,246, T>A. VCF-style: chr12-80368246-T-A. GRCh37 (hg19) VCF-style: chr12-80762026-T-A.
Other names: c.6417T>A, p.Cys2139Ter (NM_001368062.3); c.6552T>A, p.Cys2184Ter (NM_001378610.3, NM_173591.7); short protein forms C2139*, C2184*.
Identifiers: ClinVar variation 3603060 (VCV003603060.1).